The following is an entry in ClinVar:

ClinVar aggregate classification (germline): Uncertain significance. Review status: criteria provided, multiple submitters, no conflicts (2 of 4 stars). 3 submissions from 3 submitters: Uncertain significance (3). Last evaluated 2024-04-16.

Conditions:
Aortic aneurysm, familial thoracic 4 (AAT4). Also called: AORTIC ANEURYSM/AORTIC DISSECTION AND PATENT DUCTUS ARTERIOSUS. Identifiers: MedGen C1851504, MONDO:0007568, OMIM 132900.
Familial thoracic aortic aneurysm and aortic dissection (TAAD). Also called: Thoracic aortic aneurysms and dissections. Identifiers: Orphanet 91387, MedGen C4707243, MONDO:0019625.

Allele frequency attached by ClinVar (database versions not stated): gnomAD exomes 0.00001; ExAC 0.00003.
gnomAD v4.1: 12 of 1,614,216 alleles (0.00074%); highest among the groups gnomAD compares: African/African-American, 0.0013%; no homozygotes.

Submissions (3):

Labcorp Genetics (formerly Invitae), Labcorp
Classification: Uncertain significance for Aortic aneurysm, familial thoracic 4. Last evaluated: 2024-04-16. Review status: criteria provided, single submitter. Criteria: Invitae Variant Classification Sherloc (09022015). Collection method: clinical testing. Allele origin: germline.
Comment: This sequence change replaces glutamic acid, which is acidic and polar, with lysine, which is basic and polar, at codon 1361 of the MYH11 protein (p.Glu1361Lys). This variant is present in population databases (rs764136209, gnomAD 0.003%). This variant has not been reported in the literature in individuals affected with MYH11-related conditions. ClinVar contains an entry for this variant (Variation ID: 665265). Advanced modeling of protein sequence and biophysical properties (such as structural, functional, and spatial information, amino acid conservation, physicochemical variation, residue mobility, and thermodynamic stability) performed at Invitae indicates that this missense variant is not expected to disrupt MYH11 protein function with a negative predictive value of 95%. In summary, the available evidence is currently insufficient to determine the role of this variant in disease. Therefore, it has been classified as a Variant of Uncertain Significance.

All of Us Research Program, National Institutes of Health
Classification: Uncertain significance for Familial thoracic aortic aneurysm and aortic dissection. Last evaluated: 2023-11-30. Review status: criteria provided, single submitter. Criteria: ACMG Guidelines, 2015. Collection method: clinical testing. Allele origin: germline. Inheritance: Autosomal dominant inheritance. Observed: 1 variant allele, 1 heterozygote.
Comment: Variant of Uncertain Significance due to insufficient evidence: This missense variant is located in the coiled coil myosin tail domain of the MYH11 protein. Computational prediction tools and conservation analyses suggest that this variant may have deleterious impact on the protein function. Computational splicing tools suggest that this variant may not impact RNA splicing. To our knowledge, functional assays have not been performed for this variant nor has this variant been reported in individuals affected with cardiovascular disorders in the literature. This variant has been identified in 3/245560 chromosomes in the general population by the Genome Aggregation Database (gnomAD). Available evidence is insufficient to determine the pathogenicity of this variant conclusively.

This study involves interpretation of variants in research participants for the purpose of population health screening. Participant phenotype was not available at the time of variant classification. Additional details can be found in publication PMID: 35346344, PMCID: PMC8962531

Color Diagnostics, LLC DBA Color Health
Classification: Uncertain significance for Familial thoracic aortic aneurysm and aortic dissection. Last evaluated: 2018-11-28. Review status: criteria provided, single submitter. Criteria: ACMG Guidelines, 2015. Collection method: clinical testing. Allele origin: germline.
Comment: Variant of Uncertain Significance due to insufficient evidence: This missense variant is located in the coiled coil myosin tail domain of the MYH11 protein. Computational prediction tools and conservation analyses suggest that this variant may have deleterious impact on the protein function. Computational splicing tools suggest that this variant may not impact RNA splicing. To our knowledge, functional assays have not been performed for this variant nor has this variant been reported in individuals affected with cardiovascular disorders in the literature. This variant has been identified in 3/245560 chromosomes in the general population by the Genome Aggregation Database (gnomAD). Available evidence is insufficient to determine the pathogenicity of this variant conclusively.

NM_002474.3(MYH11):c.4060G>A (p.Glu1354Lys)

Genes: NDE1 (nudE neurodevelopment protein 1; plus strand), MYH11 (myosin heavy chain 11; minus strand). Cytogenetic location: 16p13.11.
Variant type: single nucleotide variant.
Coding change: c.4060G>A on transcript NM_002474.3 (MANE Select); coding-DNA position 4060, G replaced by A.
Protein change: p.Glu1354Lys; replaces glutamic acid 1354 with lysine.
Molecular consequence: missense variant. On other transcripts: 3 prime UTR variant (2).
Genome position (GRCh38, 1-based): chr16:15,724,703, C>T on the plus strand (G>A on the coding strand, the complement: MYH11 is on the minus strand). VCF-style: chr16-15724703-C-T. GRCh37 (hg19) VCF-style: chr16-15818560-C-T.
Other names: c.4081G>A, p.Glu1361Lys (NM_001040113.2, NM_001040114.2); c.4060G>A, p.Glu1354Lys (NM_022844.3); c.*452C>T (NM_001143979.2, NM_017668.3); short protein forms E1354K, E1361K.
Identifiers: ClinVar variation 665265 (VCV000665265.11), dbSNP rs764136209, ClinGen allele CA7921797.
Genomic context (GRCh38, chr16:15,724,703, plus strand): 5'-GCACCTGGATGTTGAGAGTGGAGATGTGGCGCTCCAGGTTCTGCTTGGCCTCCATCTCCT[C>T]GTCCAGCTGGTCTTGCAGGCTGTTCCGCTCCTCCTCCAGCTGGCGCAGCTTCGTAGACAC-3'
Protein context (NP_002465.1, residues 1344-1364): ERNSLQDQLD[Glu1354Lys]EMEAKQNLER